The following is an entry in ClinVar:

ClinVar aggregate classification (germline): Uncertain significance (1 of 4 stars; one submission).

gnomAD v4.1: 7 of 1,549,518 alleles (0.00045%); highest among the groups gnomAD compares: Non-Finnish European, 0.00061%; no homozygotes.

Submission:

Labcorp Genetics (formerly Invitae), Labcorp
Classification: Uncertain significance. Last evaluated: 2025-02-06. Review status: criteria provided, single submitter. Criteria: Invitae Variant Classification Sherloc (09022015). Collection method: clinical testing. Allele origin: germline.
Comment: This sequence change replaces asparagine, which is neutral and polar, with serine, which is neutral and polar, at codon 67 of the PPP1R12A protein (p.Asn67Ser). This variant is not present in population databases (gnomAD no frequency). This variant has not been reported in the literature in individuals affected with PPP1R12A-related conditions. An algorithm developed to predict the effect of missense changes on protein structure and function (PolyPhen-2) suggests that this variant is likely to be disruptive. In summary, the available evidence is currently insufficient to determine the role of this variant in disease. Therefore, it has been classified as a Variant of Uncertain Significance.

NM_002480.3(PPP1R12A):c.200A>G (p.Asn67Ser)

Genes: PPP1R12A (protein phosphatase 1 regulatory subunit 12A; minus strand), LOC112163633 (Sharpr-MPRA regulatory region 5962; plus strand). Cytogenetic location: 12q21.31.
Variant type: single nucleotide variant.
Coding change: c.200A>G on transcript NM_002480.3 (MANE Select); coding-DNA position 200, A replaced by G.
Protein change: p.Asn67Ser; replaces asparagine 67 with serine.
Molecular consequence: missense variant.
Genome position (GRCh38, 1-based): chr12:79,934,732, T>C on the plus strand (A>G on the coding strand, the complement: PPP1R12A is on the minus strand). VCF-style: chr12-79934732-T-C. GRCh37 (hg19) VCF-style: chr12-80328512-T-C.
Other names: c.200A>G, p.Asn67Ser (NM_001143885.2, NM_001244990.2, NM_001244992.1); short protein forms N67S.
Identifiers: ClinVar variation 4807014 (VCV004807014.1).